The following is an entry in ClinVar:

NM_020832.3(ZNF687):c.1702C>T (p.Arg568Cys)

Gene: ZNF687 (zinc finger protein 687; plus strand). Cytogenetic location: 1q21.3.
Variant type: single nucleotide variant.
Coding change: c.1702C>T on transcript NM_020832.3 (MANE Select); coding-DNA position 1702, C replaced by T.
Protein change: p.Arg568Cys; replaces arginine 568 with cysteine.
Molecular consequence: missense variant.
Genome position (GRCh38, 1-based): chr1:151,287,993, C>T. VCF-style: chr1-151287993-C-T. GRCh37 (hg19) VCF-style: chr1-151260469-C-T.
Other names: c.1702C>T, p.Arg568Cys (NM_001304764.2, NM_001304763.2); c.1702C>T (NM_020832.1); short protein forms R568C.
Identifiers: ClinVar variation 3715928 (VCV003715928.3).

ClinVar aggregate classification (germline): Uncertain significance. Review status: criteria provided, multiple submitters, no conflicts (2 of 4 stars). 2 submissions from 2 submitters: Uncertain significance (2). Last evaluated 2025-08-04.

gnomAD v4.1: 19 of 1,613,910 alleles (0.0012%); highest among the groups gnomAD compares: Admixed American, 0.0017%; no homozygotes.

Submissions (2):

Labcorp Genetics (formerly Invitae), Labcorp
Classification: Uncertain significance. Last evaluated: 2025-08-04. Review status: criteria provided, single submitter. Criteria: Invitae Variant Classification Sherloc (09022015). Collection method: clinical testing. Allele origin: germline.
Comment: This sequence change replaces arginine, which is basic and polar, with cysteine, which is neutral and slightly polar, at codon 568 of the ZNF687 protein (p.Arg568Cys). This variant is present in population databases (rs760248301, gnomAD 0.003%). This variant has not been reported in the literature in individuals affected with ZNF687-related conditions. ClinVar contains an entry for this variant (Variation ID: 3715928). An algorithm developed to predict the effect of missense changes on protein structure and function (PolyPhen-2) suggests that this variant is likely to be disruptive. In summary, the available evidence is currently insufficient to determine the role of this variant in disease. Therefore, it has been classified as a Variant of Uncertain Significance.

Ambry Genetics
Classification: Uncertain significance. Last evaluated: 2025-02-06. Review status: criteria provided, single submitter. Criteria: Ambry Variant Classification Scheme 2023. Collection method: clinical testing. Allele origin: germline.